The following is an entry in ClinVar:

Conditions:
Long QT syndrome 5 (LQT5). Identifiers: Orphanet 101016, Orphanet 768, MedGen C1867904, MONDO:0013372, OMIM 613695.

Submission:

Roden Lab, Vanderbilt University Medical Center
No classification provided (evidence only). Condition: Long QT syndrome 5. Review status: no classification provided. Collection method: in vitro. Allele origin: not applicable. Functional consequence: Effect on ion channel function.
ClinVar note: "not provided" was previously submitted as the classification for the variant. However, the classification appeared to be based only on an observation of functional data so it was converted to no classification on 2025-07-30.

NM_000219.6(KCNE1):c.270G>C (p.Lys90Asn)

Gene: KCNE1 (potassium voltage-gated channel subfamily E regulatory subunit 1; minus strand). Cytogenetic location: 21q22.12.
Variant type: single nucleotide variant.
Coding change: c.270G>C on transcript NM_000219.6 (MANE Select); coding-DNA position 270, G replaced by C.
Protein change: p.Lys90Asn; replaces lysine 90 with asparagine.
Molecular consequence: missense variant.
Genome position (GRCh38, 1-based): chr21:34,449,365, C>G on the plus strand (G>C on the coding strand, the complement: KCNE1 is on the minus strand). VCF-style: chr21-34449365-C-G. GRCh37 (hg19) VCF-style: chr21-35821663-C-G.
Other names: c.270G>C, p.Lys90Asn (NM_001127668.4, NM_001127669.4, NM_001127670.4 and 4 more transcripts); short protein forms K90N.
Identifiers: ClinVar variation 3374490 (VCV003374490.2).